The following is an entry in ClinVar:

NM_001853.4(COL9A3):c.1425_1442del (p.Lys477_Pro482del)

Genes: COL9A3 (collagen type IX alpha 3 chain; plus strand), LOC126863084 (MED14-independent group 3 enhancer GRCh37_chr20:61467141-61468340; plus strand). Cytogenetic location: 20q13.33.
Variant type: Deletion.
Coding change: c.1425_1442del on transcript NM_001853.4 (MANE Select); coding-DNA positions 1425 to 1442, 18 bases deleted (CCCCAAAGGCACCCAGGG).
Protein change: p.Lys477_Pro482del.
Molecular consequence: inframe deletion.
Genome position (GRCh38, 1-based): chr20:62,836,210-62,836,227, CCCCAAAGGCACCCAGGG deleted; deleting any 18 consecutive bases within chr20:62,836,207-62,836,227 gives the same sequence; the c. name uses the placement nearest the transcript's 3' end. VCF-style (leftmost placement, unchanged base first): chr20-62836206-TGGGCCCCAAAGGCACCCA-T. GRCh37 (hg19) VCF-style: chr20-61467558-TGGGCCCCAAAGGCACCCA-T.
Other names: c.1425_1442del18 (NM_001853.3).
Identifiers: ClinVar variation 689615 (VCV000689615.7), dbSNP rs1600810127, ClinGen allele CA915952980.

ClinVar aggregate classification (germline): Uncertain significance. Review status: criteria provided, multiple submitters, no conflicts (2 of 4 stars). 3 submissions from 3 submitters: Uncertain significance (3). Last evaluated 2025-12-10.

Conditions:
Epiphyseal dysplasia, multiple, 3 (EDM3). Also called: COL9A3-Related Multiple Epiphyseal Dysplasia; Epiphyseal dysplasia, multiple, 3, with or without myopathy. Identifiers: MedGen C1832998, MONDO:0010964, OMIM 600969.
Inborn genetic diseases. Identifiers: MedGen C0950123, MeSH D030342.

Submissions (3):

Labcorp Genetics (formerly Invitae), Labcorp
Classification: Uncertain significance. Last evaluated: 2025-12-10. Review status: criteria provided, single submitter. Criteria: Invitae Variant Classification Sherloc (09022015). Collection method: clinical testing. Allele origin: germline.
Comment: This variant, c.1425_1442del, results in the deletion of 6 amino acid(s) of the COL9A3 protein (p.Lys477_Pro482del), but otherwise preserves the integrity of the reading frame. This variant is not present in population databases (gnomAD no frequency). This variant has not been reported in the literature in individuals affected with COL9A3-related conditions. ClinVar contains an entry for this variant (Variation ID: 689615). Experimental studies and prediction algorithms are not available or were not evaluated, and the functional significance of this variant is currently unknown. In summary, the available evidence is currently insufficient to determine the role of this variant in disease. Therefore, it has been classified as a Variant of Uncertain Significance.

Ambry Genetics
Classification: Uncertain significance for Inborn genetic diseases. Last evaluated: 2023-07-17. Review status: criteria provided, single submitter. Criteria: Ambry Variant Classification Scheme 2023. Collection method: clinical testing. Allele origin: germline.
Comment: The c.1425_1442del18 (p.K477_P482del) alteration, located in coding exon 28 of the COL9A3 gene, results from an in-frame deletion of 18 nucleotides at positions c.1425 to c.1442. This results in the deletion of 6 amino acids between codons 477 and 482. This variant was not reported in population-based cohorts in the Genome Aggregation Database (gnomAD). This amino acid position is not well conserved in available vertebrate species. This alteration is predicted to be deleterious by in silico analysis (Choi, 2012). Based on insufficient or conflicting evidence, the clinical significance of this alteration remains unclear.

HudsonAlpha Institute for Biotechnology
Classification: Uncertain significance for Epiphyseal dysplasia, multiple, 3. Last evaluated: 2019-04-05. Review status: criteria provided, single submitter. Criteria: ACMG Guidelines, 2015. Collection method: research. Allele origin: maternal. Observed: 1 variant allele. Study: CSER-SouthSeq.
Comment: ACMG codes: PM2, PM4